The following is an entry in ClinVar:

NM_000517.6(HBA2):c.358C>T (p.Pro120Ser)

Genes: HBA2 (hemoglobin subunit alpha 2; plus strand), LOC106804612 (hemoglobin subunit alpha 2 recombination region; plus strand). Cytogenetic location: 16p13.3.
Variant type: single nucleotide variant.
Coding change: c.358C>T on transcript NM_000517.6 (MANE Select); coding-DNA position 358, C replaced by T.
Protein change: p.Pro120Ser; replaces proline 120 with serine.
Molecular consequence: missense variant.
Genome position (GRCh38, 1-based): chr16:173,529, C>T. VCF-style: chr16-173529-C-T. GRCh37 (hg19) VCF-style: chr16-223528-C-T.
Other names: short protein forms P120S.
Identifiers: ClinVar variation 801174 (VCV000801174.7), dbSNP rs1262943621, ClinGen allele CA393994519.

ClinVar aggregate classification (germline): Pathogenic/Likely pathogenic. Review status: criteria provided, multiple submitters, no conflicts (2 of 4 stars). 2 submissions from 2 submitters: Pathogenic (1); Likely pathogenic (1). Last evaluated 2023-03-01.

Allele frequency attached by ClinVar (database versions not stated): gnomAD exomes below 0.00001.
gnomAD v4.1: 3 of 1,607,086 alleles (0.00019%); highest among the groups gnomAD compares: Admixed American, 0.0017%; no homozygotes.

Submissions (2):

Quest Diagnostics Nichols Institute San Juan Capistrano
Classification: Likely pathogenic. Last evaluated: 2023-03-01. Review status: criteria provided, single submitter. Criteria: Quest Diagnostics criteria. Collection method: clinical testing. Allele origin: unknown.
Comment: Heterozygosity for this variant is reported as being associated with hypochromia and microcytosis (see PMID 26485748 (2016)). Based on the available information, this variant is classified as likely pathogenic.

ARUP Laboratories, Molecular Genetics and Genomics, ARUP Laboratories
Classification: Pathogenic. Last evaluated: 2022-06-08. Review status: criteria provided, single submitter. Criteria: ARUP Molecular Germline Variant Investigation Process 2021. Collection method: clinical testing. Allele origin: germline.
Comment: The Hb Macarena variant (HBA2: c.358C>T; p.Pro120Ser, also known as Pro119Ser when numbered from the mature protein, rs1262943621, and as Hb Groene Hart on HBA1, HbVar ID: 1123) is reported in the literature in a heterozygous individual with hypochromia and microcytosis (Fuente-Gonzolo 2016). Hb Groene Hart variant has been described in the compound heterozygous state and homozygously in individuals affected with alpha thalassemia, and heterozygously in individuals with microcytosis and hypochromia (see link to HbVar and references therein, Joly 2014, Yu 2009, Zanella-Cleon 2008). Functional studies of Hb Groene Hart variant protein demonstrate impaired binding to alpha hemoglobin stabilizing protein and beta globin, leading to destabilization and increased proteolytic degradation (Yu 2009). This variant is only observed on one allele in the Genome Aggregation Database, indicating it is not a common polymorphism. The proline at codon 120 is moderately conserved, and computational analyses predict that this variant is deleterious (REVEL: 0.76). Based on available information, this variant is considered to be pathogenic. References: Link to HbVar database: Fuente-Gonzalo F et al. HB Puerta del Sol [HBA1:c.148A>C], HB Valdecilla [HBA2:c.3G>T], HB Gran Vía [HBA2:c.98T>G], HB Macarena [HBA2:c.358C>T] and HB El Retiro [HBA2:c.364_366dupGTG]: description of five new hemoglobinopathies. Clin Chem Lab Med. 2016 Apr;54(4):553-60. PMID: 26485748. Joly P et al. Description of the phenotypes of 63 heterozygous, homozygous and compound heterozygous patients carrying the Hb Groene Hart [a119(H2)Pro?Ser; HBA1: c.358C>T] variant. Hemoglobin. 2014;38(1):64-6. PMID: 24111644 Yu X et al. Analysis of human alpha globin gene mutations that impair binding to the alpha hemoglobin stabilizing protein. Blood. 2009 Jun 4;113(23):5961-9. PMID: 19349619 Zanella-Cleon I et al. Detection of a thalassemic alpha-chain variant (Hemoglobin Groene Hart) by reversed-phase liquid chromatography. Clin Chem. 2008 Jun;54(6):1053-9. PMID: 18420733

Literature cited by the submitters: PubMed 18420733 (cited by Quest Diagnostics Nichols Institute San Juan Capistrano); PubMed 31025160 (cited by Quest Diagnostics Nichols Institute San Juan Capistrano); PubMed 24111644 (cited by Quest Diagnostics Nichols Institute San Juan Capistrano); PubMed 19349619 (cited by Quest Diagnostics Nichols Institute San Juan Capistrano); PubMed 21950764 (cited by Quest Diagnostics Nichols Institute San Juan Capistrano); PubMed 26485748 (cited by Quest Diagnostics Nichols Institute San Juan Capistrano).